The following is an entry in ClinVar:

NM_024596.5(MCPH1):c.873del (p.Phe291_Leu292insTer)

Gene: MCPH1 (microcephalin 1; plus strand). Cytogenetic location: 8p23.1.
Variant type: Deletion.
Coding change: c.873del on transcript NM_024596.5 (MANE Select); coding-DNA position 873, one base deleted (T; older notation c.873delT).
Protein change: p.Phe291_Leu292insTer.
Molecular consequence: frameshift variant. On other transcripts: non-coding transcript variant (1).
Genome position (GRCh38, 1-based): chr8:6,444,595, T deleted; the last of 3 consecutive T bases (chr8:6,444,593-6,444,595); deleting any one gives the same sequence. VCF-style (leftmost placement, unchanged base first): chr8-6444592-AT-A. GRCh37 (hg19) VCF-style: chr8-6302113-AT-A.
Other names: c.873del, p.Phe291_Leu292insTer (NM_001172574.2, NM_001322042.2, NM_001363979.1 and 3 more transcripts); c.729del, p.Phe243_Leu244insTer (NM_001172575.2); c.867del, p.Phe289_Leu290insTer (NM_001322043.2); c.771del, p.Phe257_Leu258insTer (NM_001322045.2).
Identifiers: ClinVar variation 2769413 (VCV002769413.3), dbSNP rs2486137994, ClinGen allele CA2697549744.

ClinVar aggregate classification (germline): Pathogenic (1 of 4 stars; one submission).

Submission:

Labcorp Genetics (formerly Invitae), Labcorp
Classification: Pathogenic. Last evaluated: 2023-10-17. Review status: criteria provided, single submitter. Criteria: Invitae Variant Classification Sherloc (09022015). Collection method: clinical testing. Allele origin: germline.
Comment: This sequence change creates a premature translational stop signal (p.Leu292*) in the MCPH1 gene. It is expected to result in an absent or disrupted protein product. Loss-of-function variants in MCPH1 are known to be pathogenic (PMID: 20978018). This variant is not present in population databases (gnomAD no frequency). This variant has not been reported in the literature in individuals affected with MCPH1-related conditions. For these reasons, this variant has been classified as Pathogenic.

Literature cited by the submitters: PubMed 20978018.